The following is an entry in ClinVar:

NM_015041.3(CLUAP1):c.1183A>G (p.Lys395Glu)

Gene: CLUAP1 (clusterin associated protein 1; plus strand). Cytogenetic location: 16p13.3.
Variant type: single nucleotide variant.
Coding change: c.1183A>G on transcript NM_015041.3 (MANE Select); coding-DNA position 1183, A replaced by G.
Protein change: p.Lys395Glu; replaces lysine 395 with glutamic acid.
Molecular consequence: missense variant.
Genome position (GRCh38, 1-based): chr16:3,536,212, A>G. VCF-style: chr16-3536212-A-G. GRCh37 (hg19) VCF-style: chr16-3586212-A-G.
Other names: c.1240A>G, p.Lys414Glu (NM_001330454.2); c.685A>G, p.Lys229Glu (NM_024793.3); short protein forms K395E, K414E, K229E.
Identifiers: ClinVar variation 862732 (VCV000862732.9), dbSNP rs2038228993, ClinGen allele CA394516591.

ClinVar aggregate classification (germline): Uncertain significance (1 of 4 stars; one submission).

Allele frequency attached by ClinVar (database versions not stated): TOPMed below 0.00001; gnomAD 0.00001; gnomAD exomes 0.00002.
gnomAD v4.1: 27 of 1,614,064 alleles (0.0017%); highest among the groups gnomAD compares: Non-Finnish European, 0.0022%; no homozygotes.

Submission:

Labcorp Genetics (formerly Invitae), Labcorp
Classification: Uncertain significance. Last evaluated: 2022-12-14. Review status: criteria provided, single submitter. Criteria: Invitae Variant Classification Sherloc (09022015). Collection method: clinical testing. Allele origin: germline.
Comment: In summary, the available evidence is currently insufficient to determine the role of this variant in disease. Therefore, it has been classified as a Variant of Uncertain Significance. Advanced modeling of protein sequence and biophysical properties (such as structural, functional, and spatial information, amino acid conservation, physicochemical variation, residue mobility, and thermodynamic stability) performed at Invitae indicates that this missense variant is not expected to disrupt CLUAP1 protein function. This variant has not been reported in the literature in individuals affected with CLUAP1-related conditions. This variant is not present in population databases (gnomAD no frequency). This sequence change replaces lysine, which is basic and polar, with glutamic acid, which is acidic and polar, at codon 395 of the CLUAP1 protein (p.Lys395Glu). ClinVar contains an entry for this variant (Variation ID: 862732).